The following is an entry in ClinVar:

NM_001365951.3(KIF1B):c.4338A>T (p.Leu1446Phe)

Gene: KIF1B (kinesin family member 1B; plus strand). Cytogenetic location: 1p36.22.
Variant type: single nucleotide variant.
Coding change: c.4338A>T on transcript NM_001365951.3 (MANE Select); coding-DNA position 4338, A replaced by T.
Protein change: p.Leu1446Phe; replaces leucine 1446 with phenylalanine.
Molecular consequence: missense variant.
Genome position (GRCh38, 1-based): chr1:10,363,316, A>T. VCF-style: chr1-10363316-A-T. GRCh37 (hg19) VCF-style: chr1-10423374-A-T.
Other names: c.4338A>T, p.Leu1446Phe (NM_001365952.1); c.4200A>T, p.Leu1400Phe (NM_015074.3); short protein forms L1400F, L1446F.
Identifiers: ClinVar variation 2563616 (VCV002563616.2), dbSNP rs143112560, ClinGen allele CA338318696.
Genomic context (GRCh38, chr1:10,363,316, plus strand): 5'-AACAATTGTTTTATTTTCTTCAAATAGGAATCGAGTCACTGGCATTTACGAACTCAGCTT[A>T]TGCAAAATGTCAGACACAGGTAGTCCAGGTAAGCTCTTGTGGATTGAGGAGGTGATAGTT-3'
Protein context (NP_001352880.1, residues 1436-1456): NRVTGIYELS[Leu1446Phe]CKMSDTGSPG

ClinVar aggregate classification (germline): Uncertain significance (1 of 4 stars; one submission).

gnomAD v4.1: 1 of 1,613,738 alleles (0.000062%); highest among the groups gnomAD compares: Non-Finnish European, 0.000085%; no homozygotes.

Submission:

Ambry Genetics
Classification: Uncertain significance. Last evaluated: 2023-04-22. Review status: criteria provided, single submitter. Criteria: Ambry Variant Classification Scheme 2023. Collection method: clinical testing. Allele origin: germline.
Comment: The p.L1400F variant (also known as c.4200A>T), located in coding exon 38 of the KIF1B gene, results from an A to T substitution at nucleotide position 4200. The leucine at codon 1400 is replaced by phenylalanine, an amino acid with highly similar properties. This amino acid position is conserved. In addition, this alteration is predicted to be deleterious by in silico analysis. Since supporting evidence is limited at this time, the clinical significance of this alteration remains unclear.